The following is an entry in ClinVar:

NM_001360.3(DHCR7):c.817G>A (p.Val273Ile)

Gene: DHCR7 (7-dehydrocholesterol reductase; minus strand). Cytogenetic location: 11q13.4.
Variant type: single nucleotide variant.
Coding change: c.817G>A on transcript NM_001360.3 (MANE Select); coding-DNA position 817, G replaced by A.
Protein change: p.Val273Ile; replaces valine 273 with isoleucine.
Molecular consequence: missense variant.
Genome position (GRCh38, 1-based): chr11:71,438,893, C>T on the plus strand (G>A on the coding strand, the complement: DHCR7 is on the minus strand). VCF-style: chr11-71438893-C-T. GRCh37 (hg19) VCF-style: chr11-71149939-C-T.
Other names: c.817G>A, p.Val273Ile (NM_001163817.2, NM_001425109.1, NM_001425110.1 and 6 more transcripts); c.868G>A, p.Val290Ile (NM_001425107.1); c.853G>A, p.Val285Ile (NM_001425108.1); c.757G>A, p.Val253Ile (NM_001425113.1); c.721G>A, p.Val241Ile (NM_001425114.1, NM_001425116.1); c.643G>A, p.Val215Ile (NM_001425117.1); short protein forms V273I, V241I, V285I, V290I, V253I, V215I.
Identifiers: ClinVar variation 2772278 (VCV002772278.4), dbSNP rs2539220764, ClinGen allele CA381703214.
Genomic context (GRCh38, chr11:71,438,893, plus strand): 5'-AGCCTGCCGGCATCGGCGTTTCACCCTCTCCAGCCATGACAGGCACCTGCAGGACGTTGA[C>T]CAGGACCATGGCATTGGTCACATGGCTGTGGAGCTCCCGCTGCTTCGCTGCGAAGGACAG-3'
Protein context (NP_001351.2, residues 263-283): HSHVTNAMVL[Val273Ile]NVLQAIYVID

ClinVar aggregate classification (germline): Conflicting classifications of pathogenicity. Review status: criteria provided, conflicting classifications (1 of 4 stars). 2 submissions from 2 submitters: Likely pathogenic (1); Uncertain significance (1). Last evaluated 2025-11-17.

Conditions:
Smith-Lemli-Opitz syndrome (SLOS). Also called: LETHAL ACRODYSGENITAL SYNDROME; POLYDACTYLY, SEX REVERSAL, RENAL HYPOPLASIA, AND UNILOBAR LUNG; RSH SYNDROME; RUTLEDGE LETHAL MULTIPLE CONGENITAL ANOMALY SYNDROME; 7-Dehydrocholesterol reductase deficiency. Identifiers: Orphanet 818, MedGen C0175694, MONDO:0010035, OMIM 270400.

Submissions (2):

Women's Health and Genetics/Laboratory Corporation of America, LabCorp
Classification: Uncertain significance. Last evaluated: 2025-11-17. Review status: criteria provided, single submitter. Criteria: LabCorp Variant Classification Summary - May 2015. Collection method: clinical testing. Allele origin: germline.
Comment: Variant summary: DHCR7 c.817G>A (p.Val273Ile) results in a conservative amino acid change in the encoded protein sequence. Algorithms developed to predict the effect of missense changes on protein structure and function are either unavailable or do not agree on the potential impact of this missense change. The variant was absent in 251118 control chromosomes. The available data on variant occurrences in the general population are insufficient to allow any conclusion about variant significance. To our knowledge, no occurrence of c.817G>A in individuals affected with DHCR7-related conditions and no experimental evidence demonstrating its impact on protein function have been reported. ClinVar contains an entry for this variant (Variation ID: 2772278). Based on the evidence outlined above, the variant was classified as uncertain significance.

Labcorp Genetics (formerly Invitae), Labcorp
Classification: Likely pathogenic for Smith-Lemli-Opitz syndrome. Last evaluated: 2023-10-28. Review status: criteria provided, single submitter. Criteria: Invitae Variant Classification Sherloc (09022015). Collection method: clinical testing. Allele origin: germline.
Comment: This sequence change replaces valine, which is neutral and non-polar, with isoleucine, which is neutral and non-polar, at codon 273 of the DHCR7 protein (p.Val273Ile). This variant is not present in population databases (gnomAD no frequency). This variant has not been reported in the literature in individuals affected with DHCR7-related conditions. Advanced modeling of protein sequence and biophysical properties (such as structural, functional, and spatial information, amino acid conservation, physicochemical variation, residue mobility, and thermodynamic stability) performed at Invitae indicates that this missense variant is expected to disrupt DHCR7 protein function with a positive predictive value of 95%. This variant disrupts the p.Val273 amino acid residue in DHCR7. Other variant(s) that disrupt this residue have been determined to be pathogenic (PMID: 15776424). This suggests that this residue is clinically significant, and that variants that disrupt this residue are likely to be disease-causing. In summary, the currently available evidence indicates that the variant is pathogenic, but additional data are needed to prove that conclusively. Therefore, this variant has been classified as Likely Pathogenic.

Literature cited by the submitters: PubMed 15776424 (cited by Labcorp Genetics (formerly Invitae), Labcorp).